The following is an entry in ClinVar:

ClinVar aggregate classification (germline): Uncertain significance (1 of 4 stars; one submission).

Allele frequency attached by ClinVar (database versions not stated): gnomAD exomes below 0.00001.
gnomAD v4.1: 2 of 1,611,316 alleles (0.00012%); highest among the groups gnomAD compares: East Asian, 0.0022%; no homozygotes.

Submission:

Labcorp Genetics (formerly Invitae), Labcorp
Classification: Uncertain significance. Last evaluated: 2024-02-17. Review status: criteria provided, single submitter. Criteria: Invitae Variant Classification Sherloc (09022015). Collection method: clinical testing. Allele origin: germline.
Comment: This sequence change replaces aspartic acid, which is acidic and polar, with glycine, which is neutral and non-polar, at codon 6 of the SAR1B protein (p.Asp6Gly). This variant is present in population databases (no rsID available, gnomAD 0.01%). This variant has not been reported in the literature in individuals affected with SAR1B-related conditions. ClinVar contains an entry for this variant (Variation ID: 2121379). An algorithm developed to predict the effect of missense changes on protein structure and function (PolyPhen-2) suggests that this variant is likely to be tolerated. In summary, the available evidence is currently insufficient to determine the role of this variant in disease. Therefore, it has been classified as a Variant of Uncertain Significance.

NM_016103.4(SAR1B):c.17A>G (p.Asp6Gly)

Gene: SAR1B (secretion associated Ras related GTPase 1B; minus strand). Cytogenetic location: 5q31.1.
Variant type: single nucleotide variant.
Coding change: c.17A>G on transcript NM_016103.4 (MANE Select); coding-DNA position 17, A replaced by G.
Protein change: p.Asp6Gly; replaces aspartic acid 6 with glycine.
Molecular consequence: missense variant.
Genome position (GRCh38, 1-based): chr5:134,624,003, T>C on the plus strand (A>G on the coding strand, the complement: SAR1B is on the minus strand). VCF-style: chr5-134624003-T-C. GRCh37 (hg19) VCF-style: chr5-133959693-T-C.
Other names: c.17A>G, p.Asp6Gly (NM_001033503.3); short protein forms D6G.
Identifiers: ClinVar variation 2121379 (VCV002121379.4), dbSNP rs1488440231, ClinGen allele CA361004500.